The following is an entry in ClinVar:

ClinVar aggregate classification (germline): Uncertain significance (1 of 4 stars; one submission).

Allele frequency attached by ClinVar (database versions not stated): TOPMed below 0.00001; gnomAD 0.00001.
gnomAD v4.1: 7 of 1,605,720 alleles (0.00044%); highest among the groups gnomAD compares: Non-Finnish European, 0.0006%; no homozygotes.

Submission:

Labcorp Genetics (formerly Invitae), Labcorp
Classification: Uncertain significance. Last evaluated: 2025-03-17. Review status: criteria provided, single submitter. Criteria: Invitae Variant Classification Sherloc (09022015). Collection method: clinical testing. Allele origin: germline.
Comment: This sequence change replaces serine, which is neutral and polar, with cysteine, which is neutral and slightly polar, at codon 1742 of the CPLANE1 protein (p.Ser1742Cys). This variant is not present in population databases (gnomAD no frequency). This variant has not been reported in the literature in individuals affected with CPLANE1-related conditions. ClinVar contains an entry for this variant (Variation ID: 1461142). Invitae Evidence Modeling of protein sequence and biophysical properties (such as structural, functional, and spatial information, amino acid conservation, physicochemical variation, residue mobility, and thermodynamic stability) indicates that this missense variant is not expected to disrupt CPLANE1 protein function with a negative predictive value of 95%. In summary, the available evidence is currently insufficient to determine the role of this variant in disease. Therefore, it has been classified as a Variant of Uncertain Significance.

NM_001384732.1(CPLANE1):c.5224A>T (p.Ser1742Cys)

Gene: CPLANE1 (ciliogenesis and planar polarity effector complex subunit 1; minus strand). Cytogenetic location: 5p13.2.
Variant type: single nucleotide variant.
Coding change: c.5224A>T on transcript NM_001384732.1 (MANE Select); coding-DNA position 5224, A replaced by T.
Protein change: p.Ser1742Cys; replaces serine 1742 with cysteine.
Molecular consequence: missense variant.
Genome position (GRCh38, 1-based): chr5:37,182,957, T>A on the plus strand (A>T on the coding strand, the complement: CPLANE1 is on the minus strand). VCF-style: chr5-37182957-T-A. GRCh37 (hg19) VCF-style: chr5-37183059-T-A.
Other names: c.5224A>T, p.Ser1742Cys (NM_023073.4); short protein forms S1742C.
Identifiers: ClinVar variation 1461142 (VCV001461142.6), dbSNP rs1208042566, ClinGen allele CA359493123.